The following is an entry in ClinVar:

NM_001129.5(AEBP1):c.733G>A (p.Glu245Lys)

Gene: AEBP1 (AE binding protein 1; plus strand). Cytogenetic location: 7p13.
Variant type: single nucleotide variant.
Coding change: c.733G>A on transcript NM_001129.5 (MANE Select); coding-DNA position 733, G replaced by A.
Protein change: p.Glu245Lys; replaces glutamic acid 245 with lysine.
Molecular consequence: missense variant.
Genome position (GRCh38, 1-based): chr7:44,107,694, G>A. VCF-style: chr7-44107694-G-A. GRCh37 (hg19) VCF-style: chr7-44147293-G-A.
Other names: short protein forms E245K.
Identifiers: ClinVar variation 4847116 (VCV004847116.2).

ClinVar aggregate classification (germline): Likely benign. Review status: criteria provided, multiple submitters, no conflicts (2 of 4 stars). 2 submissions from 2 submitters: Likely benign (2). Last evaluated 2026-03-18.

gnomAD v4.1: 81 of 1,613,566 alleles (0.005%); highest among the groups gnomAD compares: East Asian, 0.17%; 1 homozygote.

Submissions (2):

Women's Health and Genetics/Laboratory Corporation of America, LabCorp
Classification: Likely benign. Last evaluated: 2026-03-18. Review status: criteria provided, single submitter. Criteria: LabCorp Variant Classification Summary - May 2015. Collection method: clinical testing. Allele origin: germline.
Comment: Variant summary: AEBP1 c.733G>A (p.Glu245Lys) results in a conservative amino acid change in the encoded protein sequence. Algorithms developed to predict the effect of missense changes on protein structure and function are either unavailable or do not agree on the potential impact of this missense change. The variant allele was found at a frequency of 0.0002 in 250660 control chromosomes, predominantly at a frequency of 0.0026 within the East Asian subpopulation in the gnomAD database. The observed variant frequency within East Asian control individuals in the gnomAD database exceeds the estimated maximal expected allele frequency for disease-causing variants in AEBP1, providing supporting evidence for a benign role. To our knowledge, no occurrence of c.733G>A in individuals affected with AEBP1-related conditions and no experimental evidence demonstrating its impact on protein function have been reported. No submitters have cited clinical-significance assessments for this variant to ClinVar. Based on the evidence outlined above, the variant was classified as likely benign.

Blueprint Genetics
Classification: Likely benign. Last evaluated: 2024-05-22. Review status: criteria provided, single submitter. Criteria: ACMG Guidelines, 2015. Collection method: clinical testing. Allele origin: germline.